The following is an entry in ClinVar:

NM_014067.4(MACROD1):c.147C>T (p.Gly49=)

Gene: MACROD1 (mono-ADP ribosylhydrolase 1; minus strand). Cytogenetic location: 11q13.1.
Variant type: single nucleotide variant.
Coding change: c.147C>T on transcript NM_014067.4 (MANE Select); coding-DNA position 147, C replaced by T.
Protein change: p.Gly49=; no amino-acid change (glycine 49 retained).
Molecular consequence: synonymous variant.
Genome position (GRCh38, 1-based): chr11:64,165,848, G>A on the plus strand (C>T on the coding strand, the complement: MACROD1 is on the minus strand). VCF-style: chr11-64165848-G-A. GRCh37 (hg19) VCF-style: chr11-63933320-G-A.
Other names: c.147C>T, p.Gly49= (NM_001411019.1).
Identifiers: ClinVar variation 2641908 (VCV002641908.24), dbSNP rs114402476, ClinGen allele CA6067999.

ClinVar aggregate classification (germline): Likely benign (1 of 4 stars; one submission).

Allele frequency attached by ClinVar (database versions not stated): gnomAD exomes 0.00014; ExAC 0.00081; gnomAD 0.00180; 1000 Genomes Project 30x 0.00359; 1000 Genomes Project 0.00419.
gnomAD v4.1: 472 of 1,468,952 alleles (0.032%); highest among the groups gnomAD compares: African/African-American, 0.64%; 4 homozygotes.

Submission:

CeGaT Center for Human Genetics Tuebingen
Classification: Likely benign. Last evaluated: 2022-04-01. Review status: criteria provided, single submitter. Criteria: CeGaT Center For Human Genetics Tuebingen Variant Classification Criteria Version 2. Collection method: clinical testing. Allele origin: germline. Affected: yes. Observed: 1 variant allele.
Comment: MACROD1: BP4, BP7